The following is an entry in ClinVar:

ClinVar aggregate classification (germline): Uncertain significance (1 of 4 stars; one submission).

Conditions:
Alzheimer disease. Also called: Presenile and senile dementia; Alzheimer's disease. Identifiers: Orphanet 1020, MedGen C0002395, MeSH D000544, MONDO:0004975, HP:0002511.

Submission:

Labcorp Genetics (formerly Invitae), Labcorp
Classification: Uncertain significance for Alzheimer disease. Last evaluated: 2025-07-29. Review status: criteria provided, single submitter. Criteria: Invitae Variant Classification Sherloc (09022015). Collection method: clinical testing. Allele origin: germline.
Comment: This sequence change replaces lysine, which is basic and polar, with asparagine, which is neutral and polar, at codon 401 of the APP protein (p.Lys401Asn). This variant is not present in population databases (gnomAD no frequency). This variant has not been reported in the literature in individuals affected with APP-related conditions. Invitae Evidence Modeling of protein sequence and biophysical properties (such as structural, functional, and spatial information, amino acid conservation, physicochemical variation, residue mobility, and thermodynamic stability) indicates that this missense variant is not expected to disrupt APP protein function with a negative predictive value of 95%. In summary, the available evidence is currently insufficient to determine the role of this variant in disease. Therefore, it has been classified as a Variant of Uncertain Significance.

NM_000484.4(APP):c.1203G>C (p.Lys401Asn)

Gene: APP (amyloid beta precursor protein; minus strand). Cytogenetic location: 21q21.3.
Variant type: single nucleotide variant.
Coding change: c.1203G>C on transcript NM_000484.4 (MANE Select); coding-DNA position 1203, G replaced by C.
Protein change: p.Lys401Asn; replaces lysine 401 with asparagine.
Molecular consequence: missense variant.
Genome position (GRCh38, 1-based): chr21:25,982,365, C>G on the plus strand (G>C on the coding strand, the complement: APP is on the minus strand). VCF-style: chr21-25982365-C-G. GRCh37 (hg19) VCF-style: chr21-27354678-C-G.
Other names: c.1131G>C, p.Lys377Asn (NM_001136016.3); c.810G>C, p.Lys270Asn (NM_001136129.3); c.1035G>C, p.Lys345Asn (NM_001136130.3, NM_001385253.1); c.873G>C, p.Lys291Asn (NM_001136131.3); c.1203G>C, p.Lys401Asn (NM_001204301.2); c.1146G>C, p.Lys382Asn (NM_001204302.2, NM_201413.3); c.978G>C, p.Lys326Asn (NM_001204303.2, NM_201414.3); short protein forms K270N, K345N, K377N, K382N, K326N, K401N, K291N.
Identifiers: ClinVar variation 4705440 (VCV004705440.1).
Genomic context (GRCh38, chr21:25,982,365, plus strand): 5'-CAATATCGTAGGGCTGAATGATGGAAGAGCCAGACTTACCTGGGACATTCTCTCTCGGTG[C>G]TTGGCCTCAAGCCTCTCTTTGGCTTTCTGGAAATGGGCATGTTCATTCTCATCCCCAGGT-3'
Protein context (NP_000475.1, residues 391-411): FQKAKERLEA[Lys401Asn]HRERMSQVMR